The following is an entry in ClinVar:

ClinVar aggregate classification (germline): Uncertain significance (1 of 4 stars; one submission).

Conditions:
Kabuki syndrome. Also called: NIIKAWA-KUROKI SYNDROME; Kabuki make-up syndrome. Identifiers: Orphanet 2322, MedGen C0796004, MONDO:0016512.

Submission:

Labcorp Genetics (formerly Invitae), Labcorp
Classification: Uncertain significance for Kabuki syndrome. Last evaluated: 2023-02-01. Review status: criteria provided, single submitter. Criteria: Invitae Variant Classification Sherloc (09022015). Collection method: clinical testing. Allele origin: germline.
Comment: This sequence change replaces glycine, which is neutral and non-polar, with arginine, which is basic and polar, at codon 5237 of the KMT2D protein (p.Gly5237Arg). This variant is not present in population databases (gnomAD no frequency). This variant has not been reported in the literature in individuals affected with KMT2D-related conditions. Advanced modeling of protein sequence and biophysical properties (such as structural, functional, and spatial information, amino acid conservation, physicochemical variation, residue mobility, and thermodynamic stability) performed at Invitae indicates that this missense variant is not expected to disrupt KMT2D protein function. In summary, the available evidence is currently insufficient to determine the role of this variant in disease. Therefore, it has been classified as a Variant of Uncertain Significance.

NM_003482.4(KMT2D):c.15709G>C (p.Gly5237Arg)

Gene: KMT2D (lysine methyltransferase 2D; minus strand). Cytogenetic location: 12q13.12.
Variant type: single nucleotide variant.
Coding change: c.15709G>C on transcript NM_003482.4 (MANE Select); coding-DNA position 15709, G replaced by C.
Protein change: p.Gly5237Arg; replaces glycine 5237 with arginine.
Molecular consequence: missense variant.
Genome position (GRCh38, 1-based): chr12:49,026,257, C>G on the plus strand (G>C on the coding strand, the complement: KMT2D is on the minus strand). VCF-style: chr12-49026257-C-G. GRCh37 (hg19) VCF-style: chr12-49420040-C-G.
Other names: short protein forms G5237R.
Identifiers: ClinVar variation 2833779 (VCV002833779.3), dbSNP rs2137715002, ClinGen allele CA384685387.